The following is an entry in ClinVar:

NM_017671.5(FERMT1):c.1384G>A (p.Ala462Thr)

Gene: FERMT1 (FERM domain containing kindlin 1; minus strand). Cytogenetic location: 20p12.3.
Variant type: single nucleotide variant.
Coding change: c.1384G>A on transcript NM_017671.5 (MANE Select); coding-DNA position 1384, G replaced by A.
Protein change: p.Ala462Thr; replaces alanine 462 with threonine.
Molecular consequence: missense variant.
Genome position (GRCh38, 1-based): chr20:6,085,275, C>T on the plus strand (G>A on the coding strand, the complement: FERMT1 is on the minus strand). VCF-style: chr20-6085275-C-T. GRCh37 (hg19) VCF-style: chr20-6065922-C-T.
Other names: short protein forms A462T.
Identifiers: ClinVar variation 897835 (VCV000897835.30), dbSNP rs145202913, ClinGen allele CA9758143.

ClinVar aggregate classification (germline): Uncertain significance. Review status: criteria provided, multiple submitters, no conflicts (2 of 4 stars). 3 submissions from 3 submitters: Uncertain significance (3). Last evaluated 2023-07-01.

Conditions:
Kindler syndrome (KNDLRS). Also called: BULLOUS ACROKERATOTIC POIKILODERMA OF KINDLER AND WEARY; POIKILODERMA, CONGENITAL, WITH BULLAE, WEARY TYPE; POIKILODERMA, HEREDITARY ACROKERATOTIC; Hereditary acrokeratotic poikiloderma of Weary; Poikiloderma of Kindler; Congenital bullous poikiloderma. Identifiers: Orphanet 2908, Orphanet 306539, MedGen C0406557, MONDO:0008260, OMIM 173650.

Allele frequency attached by ClinVar (database versions not stated): ExAC 0.00025; gnomAD 0.00027 and 0.00029; gnomAD exomes 0.00028; ESP Exome Variant Server 0.00031; TOPMed 0.00033.
gnomAD v4.1: 924 of 1,613,302 alleles (0.057%); highest among the groups gnomAD compares: Non-Finnish European, 0.075%; 2 homozygotes.

Submissions (3):

CeGaT Center for Human Genetics Tuebingen
Classification: Uncertain significance. Last evaluated: 2023-07-01. Review status: criteria provided, single submitter. Criteria: CeGaT Center For Human Genetics Tuebingen Variant Classification Criteria Version 2. Collection method: clinical testing. Allele origin: germline. Affected: yes. Observed: 1 variant allele.

Labcorp Genetics (formerly Invitae), Labcorp
Classification: Uncertain significance. Last evaluated: 2022-10-18. Review status: criteria provided, single submitter. Criteria: Invitae Variant Classification Sherloc (09022015). Collection method: clinical testing. Allele origin: germline.
Comment: This sequence change replaces alanine, which is neutral and non-polar, with threonine, which is neutral and polar, at codon 462 of the FERMT1 protein (p.Ala462Thr). This variant is present in population databases (rs145202913, gnomAD 0.05%). This variant has not been reported in the literature in individuals affected with FERMT1-related conditions. ClinVar contains an entry for this variant (Variation ID: 897835). Advanced modeling of protein sequence and biophysical properties (such as structural, functional, and spatial information, amino acid conservation, physicochemical variation, residue mobility, and thermodynamic stability) has been performed at Invitae for this missense variant, however the output from this modeling did not meet the statistical confidence thresholds required to predict the impact of this variant on FERMT1 protein function. In summary, the available evidence is currently insufficient to determine the role of this variant in disease. Therefore, it has been classified as a Variant of Uncertain Significance.

Illumina Laboratory Services, Illumina
Classification: Uncertain significance for Kindler syndrome. Last evaluated: 2018-01-13. Review status: criteria provided, single submitter. Criteria: ICSL Variant Classification Criteria 13 December 2019. Collection method: clinical testing. Allele origin: germline.